The following is an entry in ClinVar:

NM_006206.6(PDGFRA):c.1925T>C (p.Met642Thr)

Gene: PDGFRA (platelet derived growth factor receptor alpha; plus strand). Cytogenetic location: 4q12.
Variant type: single nucleotide variant.
Coding change: c.1925T>C on transcript NM_006206.6 (MANE Select); coding-DNA position 1925, T replaced by C.
Protein change: p.Met642Thr; replaces methionine 642 with threonine.
Molecular consequence: missense variant.
Genome position (GRCh38, 1-based): chr4:54,277,929, T>C. VCF-style: chr4-54277929-T-C. GRCh37 (hg19) VCF-style: chr4-55144096-T-C.
Other names: c.1925T>C, p.Met642Thr (NM_001347827.2, NM_001347829.2); c.2000T>C, p.Met667Thr (NM_001347828.2); c.1964T>C, p.Met655Thr (NM_001347830.2); short protein forms M642T, M655T, M667T.
Identifiers: ClinVar variation 4811724 (VCV004811724.1).

ClinVar aggregate classification (germline): Uncertain significance (1 of 4 stars; one submission).

Conditions:
Gastrointestinal stromal tumor. Also called: Gastrointestinal stroma tumor; Gastrointestinal stromal tumor, somatic. Identifiers: Orphanet 44890, MedGen C0238198, MeSH D046152, MONDO:0011719, OMIM 606764, HP:0100723.

Submission:

Labcorp Genetics (formerly Invitae), Labcorp
Classification: Uncertain significance for Gastrointestinal stromal tumor. Last evaluated: 2025-07-29. Review status: criteria provided, single submitter. Criteria: Invitae Variant Classification Sherloc (09022015). Collection method: clinical testing. Allele origin: germline.
Comment: This sequence change replaces methionine, which is neutral and non-polar, with threonine, which is neutral and polar, at codon 642 of the PDGFRA protein (p.Met642Thr). This variant is not present in population databases (gnomAD no frequency). This variant has not been reported in the literature in individuals affected with PDGFRA-related conditions. Invitae Evidence Modeling of protein sequence and biophysical properties (such as structural, functional, and spatial information, amino acid conservation, physicochemical variation, residue mobility, and thermodynamic stability) has been performed for this missense variant. However, the output from this modeling did not meet the statistical confidence thresholds required to predict the impact of this variant on PDGFRA protein function. In summary, the available evidence is currently insufficient to determine the role of this variant in disease. Therefore, it has been classified as a Variant of Uncertain Significance.